The following is an entry in ClinVar:

NM_002890.3(RASA1):c.248G>C (p.Gly83Ala)

Gene: RASA1 (RAS p21 protein activator 1; plus strand). Cytogenetic location: 5q14.3.
Variant type: single nucleotide variant.
Coding change: c.248G>C on transcript NM_002890.3 (MANE Select); coding-DNA position 248, G replaced by C.
Protein change: p.Gly83Ala; replaces glycine 83 with alanine.
Molecular consequence: missense variant.
Genome position (GRCh38, 1-based): chr5:87,268,699, G>C. VCF-style: chr5-87268699-G-C. GRCh37 (hg19) VCF-style: chr5-86564516-G-C.
Other names: short protein forms G83A.
Identifiers: ClinVar variation 1445703 (VCV001445703.6), dbSNP rs755788420, ClinGen allele CA3335360.

ClinVar aggregate classification (germline): Uncertain significance (1 of 4 stars; one submission).

Conditions:
Capillary malformation-arteriovenous malformation syndrome. Also called: Capillary malformation-arteriovenous malformation. Identifiers: Orphanet 137667, MedGen C1842180, MONDO:0012016.

Allele frequency attached by ClinVar (database versions not stated): gnomAD exomes 0.00001; ExAC 0.00002.
gnomAD v4.1: 3 of 1,611,944 alleles (0.00019%); highest among the groups gnomAD compares: South Asian, 0.0033%; no homozygotes.

Submission:

Labcorp Genetics (formerly Invitae), Labcorp
Classification: Uncertain significance for Capillary malformation-arteriovenous malformation syndrome. Last evaluated: 2024-09-05. Review status: criteria provided, single submitter. Criteria: Invitae Variant Classification Sherloc (09022015). Collection method: clinical testing. Allele origin: germline.
Comment: This sequence change replaces glycine, which is neutral and non-polar, with alanine, which is neutral and non-polar, at codon 83 of the RASA1 protein (p.Gly83Ala). This variant is present in population databases (rs755788420, gnomAD 0.007%). This variant has not been reported in the literature in individuals affected with RASA1-related conditions. ClinVar contains an entry for this variant (Variation ID: 1445703). An algorithm developed to predict the effect of missense changes on protein structure and function outputs the following: PolyPhen-2: "Possibly Damaging". The alanine amino acid residue is found in multiple mammalian species, which suggests that this missense change does not adversely affect protein function. In summary, the available evidence is currently insufficient to determine the role of this variant in disease. Therefore, it has been classified as a Variant of Uncertain Significance.